The following is an entry in ClinVar:

ClinVar aggregate classification (germline): Uncertain significance. Review status: criteria provided, multiple submitters, no conflicts (2 of 4 stars). 2 submissions from 2 submitters: Uncertain significance (2). Last evaluated 2024-04-01.

Conditions:
Hyperkalemic periodic paralysis. Also called: Familial hyperkalemic periodic paralysis; Gamstorp disease. Identifiers: Orphanet 682, MedGen C0238357, MONDO:0008224, OMIM 170500, HP:0007215.

Allele frequency attached by ClinVar (database versions not stated): TOPMed below 0.00001; gnomAD exomes 0.00001.
gnomAD v4.1: 4 of 1,613,994 alleles (0.00025%); highest among the groups gnomAD compares: Non-Finnish European, 0.00034%; no homozygotes.

Submissions (2):

CeGaT Center for Human Genetics Tuebingen
Classification: Uncertain significance. Last evaluated: 2024-04-01. Review status: criteria provided, single submitter. Criteria: CeGaT Center For Human Genetics Tuebingen Variant Classification Criteria Version 2. Collection method: clinical testing. Allele origin: germline. Affected: yes. Observed: 1 variant allele.

Labcorp Genetics (formerly Invitae), Labcorp
Classification: Uncertain significance for Hyperkalemic periodic paralysis. Last evaluated: 2023-08-27. Review status: criteria provided, single submitter. Criteria: Invitae Variant Classification Sherloc (09022015). Collection method: clinical testing. Allele origin: germline.
Comment: In summary, the available evidence is currently insufficient to determine the role of this variant in disease. Therefore, it has been classified as a Variant of Uncertain Significance. Advanced modeling of protein sequence and biophysical properties (such as structural, functional, and spatial information, amino acid conservation, physicochemical variation, residue mobility, and thermodynamic stability) performed at Invitae indicates that this missense variant is not expected to disrupt SCN4A protein function. ClinVar contains an entry for this variant (Variation ID: 2200682). This variant has not been reported in the literature in individuals affected with SCN4A-related conditions. This variant is present in population databases (no rsID available, gnomAD 0.0009%). This sequence change replaces valine, which is neutral and non-polar, with methionine, which is neutral and non-polar, at codon 1091 of the SCN4A protein (p.Val1091Met).

NM_000334.4(SCN4A):c.3271G>A (p.Val1091Met)

Genes: GH-LCR (growth hormone locus control region; plus strand), SCN4A (sodium voltage-gated channel alpha subunit 4; minus strand). Cytogenetic location: 17q23.3.
Variant type: single nucleotide variant.
Coding change: c.3271G>A on transcript NM_000334.4 (MANE Select); coding-DNA position 3271, G replaced by A.
Protein change: p.Val1091Met; replaces valine 1091 with methionine.
Molecular consequence: missense variant.
Genome position (GRCh38, 1-based): chr17:63,947,937, C>T on the plus strand (G>A on the coding strand, the complement: SCN4A is on the minus strand). VCF-style: chr17-63947937-C-T. GRCh37 (hg19) VCF-style: chr17-62025297-C-T.
Other names: short protein forms V1091M.
Identifiers: ClinVar variation 2200682 (VCV002200682.24), dbSNP rs1445626632, ClinGen allele CA400621031.
Genomic context (GRCh38, chr17:63,947,937, plus strand): 5'-TGGGGGGACTCACATCCACGATGAGGAAGTCGAGCCAGCACCAGGCGTTGGTGAAGTACA[C>T]CTTAAAGCCGTAGGCCACCCATTTGAGCAGCATCTCCATGATGAAGATGTAGGTGAAGAC-3'
Protein context (NP_000325.4, residues 1081-1101): LLKWVAYGFK[Val1091Met]YFTNAWCWLD